The following is an entry in ClinVar:

ClinVar aggregate classification (germline): Uncertain significance (1 of 4 stars; one submission).

Conditions:
Charcot-Marie-Tooth disease dominant intermediate E. Also called: CHARCOT-MARIE-TOOTH NEUROPATHY WITH FOCAL SEGMENTAL GLOMERULONEPHRITIS. Identifiers: Orphanet 93114, MedGen C4302667, MONDO:0013758, OMIM 614455.
Focal segmental glomerulosclerosis 5 (FSGS5). Identifiers: Orphanet 656, MedGen C2750475, MONDO:0013191, OMIM 613237.

Submission:

Labcorp Genetics (formerly Invitae), Labcorp
Classification: Uncertain significance for Charcot-Marie-Tooth disease dominant intermediate E; Focal segmental glomerulosclerosis 5. Last evaluated: 2019-07-06. Review status: criteria provided, single submitter. Criteria: Invitae Variant Classification Sherloc (09022015). Collection method: clinical testing. Allele origin: germline.
Comment: In summary, the available evidence is currently insufficient to determine the role of this variant in disease. Therefore, it has been classified as a Variant of Uncertain Significance. Algorithms developed to predict the effect of missense changes on protein structure and function output the following: SIFT: "Tolerated"; PolyPhen-2: "Not Available"; Align-GVGD: "Class C0". The arginine amino acid residue is found in multiple mammalian species, suggesting that this missense change does not adversely affect protein function. These predictions have not been confirmed by published functional studies and their clinical significance is uncertain. This variant has not been reported in the literature in individuals with INF2-related disease. This variant is not present in population databases (ExAC no frequency). This sequence change replaces leucine with arginine at codon 742 of the INF2 protein (p.Leu742Arg). The leucine residue is weakly conserved and there is a moderate physicochemical difference between leucine and arginine.

NM_022489.4(INF2):c.2225T>G (p.Leu742Arg)

Gene: INF2 (inverted formin 2; plus strand). Cytogenetic location: 14q32.33.
Variant type: single nucleotide variant.
Coding change: c.2225T>G on transcript NM_022489.4 (MANE Select); coding-DNA position 2225, T replaced by G.
Protein change: p.Leu742Arg; replaces leucine 742 with arginine.
Molecular consequence: missense variant.
Genome position (GRCh38, 1-based): chr14:104,710,174, T>G. VCF-style: chr14-104710174-T-G. GRCh37 (hg19) VCF-style: chr14-105176511-T-G.
Other names: c.2225T>G, p.Leu742Arg (NM_001031714.4); short protein forms L742R.
Identifiers: ClinVar variation 648169 (VCV000648169.10), dbSNP rs1595174468, ClinGen allele CA391220561.